The following is an entry in ClinVar:

ClinVar aggregate classification (germline): Conflicting classifications of pathogenicity. Review status: criteria provided, conflicting classifications (1 of 4 stars). 4 submissions from 4 submitters: Uncertain significance (1); Benign (1). 2 of the submissions do not count toward it. Last evaluated 2025-12-03.

Conditions:
Inborn genetic diseases. Identifiers: MedGen C0950123, MeSH D030342.
MTM1-related disorder. Also called: MTM1-related condition.
Severe X-linked myotubular myopathy (CNMX). Also called: Myotubular myopathy, X-linked; MYOTUBULAR MYOPATHY 1; X-linked centronuclear myopathy. Identifiers: Orphanet 596, MedGen C0410203, MONDO:0010683, OMIM 310400.

Allele frequency attached by ClinVar (database versions not stated): gnomAD exomes 0.00002 and 0.00010; TOPMed 0.00004; gnomAD 0.00005 and 0.00006; ExAC 0.00009; 1000 Genomes Project 0.00026; 1000 Genomes Project 30x 0.00042.
gnomAD v4.1: 33 of 1,209,392 alleles (0.0027%); highest among the groups gnomAD compares: East Asian, 0.065%; no homozygotes.

Submissions (4):

Labcorp Genetics (formerly Invitae), Labcorp
Classification: Benign for Severe X-linked myotubular myopathy. Last evaluated: 2025-12-03. Review status: criteria provided, single submitter. Criteria: Invitae Variant Classification Sherloc (09022015). Collection method: clinical testing. Allele origin: germline.

Ambry Genetics
Classification: Uncertain significance for Inborn genetic diseases. Last evaluated: 2023-12-15. Review status: criteria provided, single submitter. Criteria: Ambry Variant Classification Scheme 2023. Collection method: clinical testing. Allele origin: germline.

PreventionGenetics, part of Exact Sciences
Classification: Likely benign for MTM1-related condition. Last evaluated: 2022-07-20. Review status: no assertion criteria provided. Collection method: clinical testing. Allele origin: germline. Not counted in ClinVar's aggregate classification.
Comment: This variant is classified as likely benign based on ACMG/AMP sequence variant interpretation guidelines (Richards et al. 2015 PMID: 25741868, with internal and published modifications).

Natera, Inc.
Classification: Likely benign for Severe X-linked myotubular myopathy. Last evaluated: 2021-09-29. Review status: no assertion criteria provided. Collection method: clinical testing. Allele origin: germline. Not counted in ClinVar's aggregate classification.

NM_000252.3(MTM1):c.1793A>G (p.His598Arg)

Gene: MTM1 (myotubularin 1; plus strand). Cytogenetic location: Xq28.
Variant type: single nucleotide variant.
Coding change: c.1793A>G on transcript NM_000252.3 (MANE Select); coding-DNA position 1793, A replaced by G.
Protein change: p.His598Arg; replaces histidine 598 with arginine.
Molecular consequence: missense variant.
Genome position (GRCh38, 1-based): chrX:150,671,576, A>G. VCF-style: chrX-150671576-A-G. GRCh37 (hg19) VCF-style: chrX-149840049-A-G.
Other names: c.1790A>G, p.His597Arg (NM_001376906.1); c.1682A>G, p.His561Arg (NM_001376907.1); c.1793A>G, p.His598Arg (NM_001376908.1); short protein forms H598R, H597R, H561R.
Identifiers: ClinVar variation 705101 (VCV000705101.18), dbSNP rs201373390, ClinGen allele CA10539328.
Genomic context (GRCh38, chrX:150,671,576, plus strand): 5'-ACTCTGCCAAGCTTTCTGATCCCCCAACTTCACCTTCCAGTCCTTCGCAAATGATGCCCC[A>G]TGTGCAAACTCACTTCTGAGGGGGGACCCTGGCACCGCATTAGAGCTCGAAATAAAGGCG-3'
Protein context (NP_000243.1, residues 588-603): SPSSPSQMMP[His598Arg]VQTHF